The following is an entry in ClinVar:

NM_000051.4(ATM):c.3435del (p.Asp1145fs)

Gene: ATM (ATM serine/threonine kinase; plus strand). Cytogenetic location: 11q22.3.
Variant type: Deletion.
Coding change: c.3435del on transcript NM_000051.4 (MANE Select); coding-DNA position 3435, one base deleted (T; older notation c.3435delT).
Protein change: p.Asp1145fs; shifts the reading frame from aspartic acid 1145.
Molecular consequence: frameshift variant.
Genome position (GRCh38, 1-based): chr11:108,281,027, T deleted. VCF-style (leftmost placement, unchanged base first): chr11-108281026-AT-A. GRCh37 (hg19) VCF-style: chr11-108151753-AT-A.
Other names: c.3435del, p.Asp1145fs (NM_001351834.2); c.3435delT (NM_000051.3); short protein forms D1145fs.
Identifiers: ClinVar variation 802750 (VCV000802750.9), dbSNP rs1591636349, ClinGen allele CA915944397.

ClinVar aggregate classification (germline): Pathogenic/Likely pathogenic. Review status: criteria provided, multiple submitters, no conflicts (2 of 4 stars). 4 submissions from 4 submitters: Pathogenic (3); Likely pathogenic (1). Last evaluated 2021-10-27.

Conditions:
Hereditary cancer-predisposing syndrome. Also called: Hereditary Cancer Syndrome; Neoplastic Syndromes, Hereditary; Hereditary neoplastic syndrome; Tumor predisposition. Identifiers: Orphanet 140162, MedGen C0027672, MeSH D009386, MONDO:0015356.
Familial cancer of breast. Also called: Hereditary breast cancer; BREAST CANCER, FAMILIAL; hereditary breast carcinoma. Identifiers: Orphanet 227535, MedGen C0346153, MONDO:0016419, OMIM 114480. Disease mechanism: loss of function.
Ataxia-telangiectasia syndrome (AT). Also called: Ataxia-telangiectasia, complementation group E; LOUIS-BAR SYNDROME; ATAXIA-TELANGIECTASIA, COMPLEMENTATION GROUP A; Ataxia-telangiectasia, complementation group D; AT, COMPLEMENTATION GROUP C; Ataxia telangiectasia (A-T). Identifiers: Orphanet 100, MedGen C0004135, MONDO:0008840, OMIM 208900.

Submissions (4):

Fulgent Genetics
Classification: Likely pathogenic for Familial cancer of breast; Ataxia-telangiectasia syndrome. Last evaluated: 2021-10-27. Review status: criteria provided, single submitter. Criteria: ACMG Guidelines, 2015. Collection method: clinical testing. Allele origin: unknown.

Labcorp Genetics (formerly Invitae), Labcorp
Classification: Pathogenic for Ataxia-telangiectasia syndrome. Last evaluated: 2021-07-29. Review status: criteria provided, single submitter. Criteria: Invitae Variant Classification Sherloc (09022015). Collection method: clinical testing. Allele origin: germline.
Comment: For these reasons, this variant has been classified as Pathogenic. ClinVar contains an entry for this variant (Variation ID: 802750). This variant has not been reported in the literature in individuals affected with ATM-related conditions. This variant is not present in population databases (ExAC no frequency). This sequence change creates a premature translational stop signal (p.Asp1145Glufs*11) in the ATM gene. It is expected to result in an absent or disrupted protein product. Loss-of-function variants in ATM are known to be pathogenic (PMID: 23807571, 25614872).

Mendelics
Classification: Pathogenic for Ataxia-telangiectasia syndrome. Last evaluated: 2019-05-28. Review status: criteria provided, single submitter. Criteria: Mendelics Assertion Criteria 2017. Collection method: clinical testing. Allele origin: unknown.

Ambry Genetics
Classification: Pathogenic for Hereditary cancer-predisposing syndrome. Last evaluated: 2018-02-13. Review status: criteria provided, single submitter. Criteria: Ambry Variant Classification Scheme 2023. Collection method: clinical testing. Allele origin: germline.
Comment: The c.3435delT pathogenic mutation, located in coding exon 23 of the ATM gene, results from a deletion of one nucleotide at nucleotide position 3435, causing a translational frameshift with a predicted alternate stop codon (p.D1145Efs*11). This alteration is expected to result in loss of function by premature protein truncation or nonsense-mediated mRNA decay. As such, this alteration is interpreted as a disease-causing mutation.

Literature cited by the submitters: PubMed 23807571 (cited by Labcorp Genetics (formerly Invitae), Labcorp); PubMed 25614872 (cited by Labcorp Genetics (formerly Invitae), Labcorp).